The following is an entry in ClinVar:

NM_001040142.2(SCN2A):c.1541C>G (p.Ser514Cys)

Gene: SCN2A (sodium voltage-gated channel alpha subunit 2; plus strand). Cytogenetic location: 2q24.3.
Variant type: single nucleotide variant.
Coding change: c.1541C>G on transcript NM_001040142.2 (MANE Select); coding-DNA position 1541, C replaced by G.
Protein change: p.Ser514Cys; replaces serine 514 with cysteine.
Molecular consequence: missense variant.
Genome position (GRCh38, 1-based): chr2:165,315,628, C>G. VCF-style: chr2-165315628-C-G. GRCh37 (hg19) VCF-style: chr2-166172138-C-G.
Other names: c.1541C>G, p.Ser514Cys (NM_001040143.2, NM_001371246.1, NM_001371247.1 and 1 more transcripts); short protein forms S514C.
Identifiers: ClinVar variation 3349029 (VCV003349029.1).

ClinVar aggregate classification (germline): Uncertain significance (0 of 4 stars; one submission).

Conditions:
SCN2A-related disorder. Also called: SCN2A-related condition; SCN2A-related disorders. Identifiers: MedGen CN382226, MONDO:1060245.

Submission:

PreventionGenetics, part of Exact Sciences
Classification: Uncertain significance for SCN2A-related condition. Last evaluated: 2024-03-31. Review status: no assertion criteria provided. Collection method: clinical testing. Allele origin: germline.
Comment: The SCN2A c.1541C>G variant is predicted to result in the amino acid substitution p.Ser514Cys. To our knowledge, this variant has not been reported in the literature or in a large population database, indicating this variant is rare. At this time, the clinical significance of this variant is uncertain due to the absence of conclusive functional and genetic evidence.